The following is an entry in ClinVar:

ClinVar aggregate classification (germline): Uncertain significance (1 of 4 stars; one submission).

Conditions:
Neurofibromatosis, type 1 (NF1). Also called: NEUROFIBROMATOSIS, TYPE I, SOMATIC; VON RECKLINGHAUSEN DISEASE; Neurofibromatosis, type I; Peripheral type neurofibromatosis. Identifiers: Orphanet 636, MedGen C0027831, MONDO:0018975, OMIM 162200. Disease mechanism: loss of function.

Submission:

Labcorp Genetics (formerly Invitae), Labcorp
Classification: Uncertain significance for Neurofibromatosis, type 1. Last evaluated: 2021-06-06. Review status: criteria provided, single submitter. Criteria: Invitae Variant Classification Sherloc (09022015). Collection method: clinical testing. Allele origin: germline.
Comment: This variant has not been reported in the literature in individuals with NF1-related conditions. Advanced modeling of protein sequence and biophysical properties (such as structural, functional, and spatial information, amino acid conservation, physicochemical variation, residue mobility, and thermodynamic stability) performed at Invitae indicates that this missense variant is not expected to disrupt NF1 protein function. In summary, the available evidence is currently insufficient to determine the role of this variant in disease. Therefore, it has been classified as a Variant of Uncertain Significance. This variant is not present in population databases (ExAC no frequency). This sequence change replaces phenylalanine with leucine at codon 1645 of the NF1 protein (p.Phe1645Leu). The phenylalanine residue is moderately conserved and there is a small physicochemical difference between phenylalanine and leucine.

NM_001042492.3(NF1):c.4998T>A (p.Phe1666Leu)

Gene: NF1 (neurofibromin 1; plus strand). Cytogenetic location: 17q11.2.
Variant type: single nucleotide variant.
Coding change: c.4998T>A on transcript NM_001042492.3 (MANE Select); coding-DNA position 4998, T replaced by A.
Protein change: p.Phe1666Leu; replaces phenylalanine 1666 with leucine.
Molecular consequence: missense variant.
Genome position (GRCh38, 1-based): chr17:31,325,982, T>A. VCF-style: chr17-31325982-T-A. GRCh37 (hg19) VCF-style: chr17-29653000-T-A.
Other names: c.4935T>A, p.Phe1645Leu (NM_000267.4); short protein forms F1645L, F1666L.
Identifiers: ClinVar variation 1359589 (VCV001359589.8), dbSNP rs2151538054, ClinGen allele CA399007285.